The following is an entry in ClinVar:

ClinVar aggregate classification (germline): Uncertain significance. Review status: criteria provided, multiple submitters, no conflicts (2 of 4 stars). 2 submissions from 2 submitters: Uncertain significance (2). Last evaluated 2025-10-15.

gnomAD v4.1: 3 of 1,548,798 alleles (0.00019%); highest among the groups gnomAD compares: African/African-American, 0.0014%; no homozygotes.

Submissions (2):

Ambry Genetics
Classification: Uncertain significance. Last evaluated: 2025-10-15. Review status: criteria provided, single submitter. Criteria: Ambry Variant Classification Scheme 2023. Collection method: clinical testing. Allele origin: germline.

Labcorp Genetics (formerly Invitae), Labcorp
Classification: Uncertain significance. Last evaluated: 2024-01-07. Review status: criteria provided, single submitter. Criteria: Invitae Variant Classification Sherloc (09022015). Collection method: clinical testing. Allele origin: germline.
Comment: This sequence change replaces methionine, which is neutral and non-polar, with isoleucine, which is neutral and non-polar, at codon 2080 of the DSCAML1 protein (p.Met2080Ile). This variant is not present in population databases (gnomAD no frequency). This variant has not been reported in the literature in individuals affected with DSCAML1-related conditions. ClinVar contains an entry for this variant (Variation ID: 2183570). An algorithm developed to predict the effect of missense changes on protein structure and function (PolyPhen-2) suggests that this variant is likely to be tolerated. In summary, the available evidence is currently insufficient to determine the role of this variant in disease. Therefore, it has been classified as a Variant of Uncertain Significance.

NM_020693.4(DSCAML1):c.6060G>A (p.Met2020Ile)

Gene: DSCAML1 (DS cell adhesion molecule like 1; minus strand). Cytogenetic location: 11q23.3.
Variant type: single nucleotide variant.
Coding change: c.6060G>A on transcript NM_020693.4 (MANE Select); coding-DNA position 6060, G replaced by A.
Protein change: p.Met2020Ile; replaces methionine 2020 with isoleucine.
Molecular consequence: missense variant.
Genome position (GRCh38, 1-based): chr11:117,428,430, C>T on the plus strand (G>A on the coding strand, the complement: DSCAML1 is on the minus strand). VCF-style: chr11-117428430-C-T. GRCh37 (hg19) VCF-style: chr11-117299146-C-T.
Other names: c.6240G>A (NM_020693.2); short protein forms M2020I.
Identifiers: ClinVar variation 2183570 (VCV002183570.5), dbSNP rs2047706822, ClinGen allele CA382750887.